The following is an entry in ClinVar:

ClinVar aggregate classification (germline): Uncertain significance (1 of 4 stars; one submission).

Submission:

Labcorp Genetics (formerly Invitae), Labcorp
Classification: Uncertain significance. Last evaluated: 2023-06-16. Review status: criteria provided, single submitter. Criteria: Invitae Variant Classification Sherloc (09022015). Collection method: clinical testing. Allele origin: germline.
Comment: In summary, the available evidence is currently insufficient to determine the role of this variant in disease. Therefore, it has been classified as a Variant of Uncertain Significance. Advanced modeling of protein sequence and biophysical properties (such as structural, functional, and spatial information, amino acid conservation, physicochemical variation, residue mobility, and thermodynamic stability) performed at Invitae indicates that this missense variant is not expected to disrupt SNIP1 protein function. This variant has not been reported in the literature in individuals affected with SNIP1-related conditions. This variant is not present in population databases (gnomAD no frequency). This sequence change replaces glutamic acid, which is acidic and polar, with lysine, which is basic and polar, at codon 131 of the SNIP1 protein (p.Glu131Lys).

NM_024700.4(SNIP1):c.391G>A (p.Glu131Lys)

Genes: SNIP1 (Smad nuclear interacting protein 1; minus strand), LOC126805704 (BRD4-independent group 4 enhancer GRCh37_chr1:38005292-38006491; plus strand). Cytogenetic location: 1p34.3.
Variant type: single nucleotide variant.
Coding change: c.391G>A on transcript NM_024700.4 (MANE Select); coding-DNA position 391, G replaced by A.
Protein change: p.Glu131Lys; replaces glutamic acid 131 with lysine.
Molecular consequence: missense variant.
Genome position (GRCh38, 1-based): chr1:37,540,692, C>T on the plus strand (G>A on the coding strand, the complement: SNIP1 is on the minus strand). VCF-style: chr1-37540692-C-T. GRCh37 (hg19) VCF-style: chr1-38006293-C-T.
Other names: short protein forms E131K.
Identifiers: ClinVar variation 2879870 (VCV002879870.3), dbSNP rs2522349903, ClinGen allele CA339452749.